The following is an entry in ClinVar:

NM_000057.4(BLM):c.3456C>A (p.Asp1152Glu)

Gene: BLM (BLM RecQ like helicase; plus strand). Cytogenetic location: 15q26.1.
Variant type: single nucleotide variant.
Coding change: c.3456C>A on transcript NM_000057.4 (MANE Select); coding-DNA position 3456, C replaced by A.
Protein change: p.Asp1152Glu; replaces aspartic acid 1152 with glutamic acid.
Molecular consequence: missense variant. On other transcripts: intron variant (1).
Genome position (GRCh38, 1-based): chr15:90,803,618, C>A. VCF-style: chr15-90803618-C-A. GRCh37 (hg19) VCF-style: chr15-91346848-C-A.
Other names: c.3456C>A, p.Asp1152Glu (NM_001287246.2); c.2331C>A, p.Asp777Glu (NM_001287248.2); c.3358+5281C>A (NM_001287247.2); c.3456C>A (NM_000057.2); short protein forms D1152E, D777E.
Identifiers: ClinVar variation 1001111 (VCV001001111.11), dbSNP rs1897216087, ClinGen allele CA393847633.

ClinVar aggregate classification (germline): Uncertain significance. Review status: criteria provided, multiple submitters, no conflicts (2 of 4 stars). 3 submissions from 3 submitters: Uncertain significance (2). 1 of the submissions does not count toward it. Last evaluated 2022-11-11.

Conditions:
Hereditary cancer-predisposing syndrome. Also called: Neoplastic Syndromes, Hereditary; Tumor predisposition; Hereditary Cancer Syndrome; Hereditary neoplastic syndrome. Identifiers: Orphanet 140162, MedGen C0027672, MeSH D009386, MONDO:0015356.
Bloom syndrome (BLM). Also called: Bloom-Torre-Machacek syndrome. Identifiers: Orphanet 125, MedGen C0005859, MONDO:0008876, OMIM 210900.

Allele frequency attached by ClinVar (database versions not stated): gnomAD exomes below 0.00001.
gnomAD v4.1: 1 of 1,614,022 alleles (0.000062%); highest among the groups gnomAD compares: South Asian, 0.0011%; no homozygotes.

Submissions (3):

Ambry Genetics
Classification: Uncertain significance for Hereditary cancer-predisposing syndrome. Last evaluated: 2022-11-11. Review status: criteria provided, single submitter. Criteria: Ambry Variant Classification Scheme 2023. Collection method: clinical testing. Allele origin: germline.
Comment: The p.D1152E variant (also known as c.3456C>A), located in coding exon 17 of the BLM gene, results from a C to A substitution at nucleotide position 3456. The aspartic acid at codon 1152 is replaced by glutamic acid, an amino acid with highly similar properties. This amino acid position is conserved. In addition, this alteration is predicted to be tolerated by in silico analysis. Since supporting evidence is limited at this time, the clinical significance of this alteration remains unclear.

Labcorp Genetics (formerly Invitae), Labcorp
Classification: Uncertain significance for Bloom syndrome. Last evaluated: 2022-11-01. Review status: criteria provided, single submitter. Criteria: Invitae Variant Classification Sherloc (09022015). Collection method: clinical testing. Allele origin: germline.
Comment: ClinVar contains an entry for this variant (Variation ID: 1001111). This variant has not been reported in the literature in individuals affected with BLM-related conditions. This variant is not present in population databases (gnomAD no frequency). This sequence change replaces aspartic acid, which is acidic and polar, with glutamic acid, which is acidic and polar, at codon 1152 of the BLM protein (p.Asp1152Glu). Advanced modeling of protein sequence and biophysical properties (such as structural, functional, and spatial information, amino acid conservation, physicochemical variation, residue mobility, and thermodynamic stability) performed at Invitae indicates that this missense variant is not expected to disrupt BLM protein function. In summary, the available evidence is currently insufficient to determine the role of this variant in disease. Therefore, it has been classified as a Variant of Uncertain Significance.

Natera, Inc.
Classification: Uncertain significance for Bloom syndrome. Last evaluated: 2021-06-09. Review status: no assertion criteria provided. Collection method: clinical testing. Allele origin: germline. Not counted in ClinVar's aggregate classification.